The following is an entry in ClinVar:

ClinVar aggregate classification (germline): Uncertain significance (1 of 4 stars; one submission).

Conditions:
Muscular dystrophy-dystroglycanopathy (congenital with brain and eye anomalies), type a, 11 (MDDGA11). Also called: Congenital muscular dystrophy-dystroglycanopathy with brain and eye anomalies, type A11; Muscular dystrophy-dystroglycanopathy (congenital with brain and eye anomalies, type A, 11; WALKER-WARBURG SYNDROME OR MUSCLE-EYE-BRAIN DISEASE, B3GALNT2-RELATED. Identifiers: Orphanet 588, Orphanet 899, MedGen C3554638, MONDO:0014071, OMIM 615181.

Allele frequency attached by ClinVar (database versions not stated): gnomAD exomes below 0.00001.
gnomAD v4.1: 2 of 1,606,944 alleles (0.00012%); highest among the groups gnomAD compares: African/African-American, 0.0013%; no homozygotes.

Submission:

Labcorp Genetics (formerly Invitae), Labcorp
Classification: Uncertain significance for Muscular dystrophy-dystroglycanopathy (congenital with brain and eye anomalies), type a, 11. Last evaluated: 2022-07-10. Review status: criteria provided, single submitter. Criteria: Invitae Variant Classification Sherloc (09022015). Collection method: clinical testing. Allele origin: germline.
Comment: In summary, the available evidence is currently insufficient to determine the role of this variant in disease. Therefore, it has been classified as a Variant of Uncertain Significance. Algorithms developed to predict the effect of sequence changes on RNA splicing suggest that this variant may disrupt the consensus splice site. This variant has not been reported in the literature in individuals affected with B3GALNT2-related conditions. This variant is not present in population databases (gnomAD no frequency). This sequence change falls in intron 10 of the B3GALNT2 gene. It does not directly change the encoded amino acid sequence of the B3GALNT2 protein.

NM_152490.5(B3GALNT2):c.1312-16T>C

Gene: B3GALNT2 (beta-1,3-N-acetylgalactosaminyltransferase 2; minus strand). Cytogenetic location: 1q42.3.
Variant type: single nucleotide variant.
Coding change: c.1312-16T>C on transcript NM_152490.5 (MANE Select); 16 bases into the intron before coding-DNA position 1312, T replaced by C.
Molecular consequence: intron variant.
Genome position (GRCh38, 1-based): chr1:235,453,162, A>G on the plus strand (T>C on the coding strand, the complement: B3GALNT2 is on the minus strand). VCF-style: chr1-235453162-A-G. GRCh37 (hg19) VCF-style: chr1-235616474-A-G.
Identifiers: ClinVar variation 1910921 (VCV001910921.5), dbSNP rs2527144781, ClinGen allele CA2580062293.
Genomic context (GRCh38, chr1:235,453,162, plus strand): 5'-AGGTCCTATGGCAGCCATCCAGATGCCCATGCTTACATCTTCACCCTATACATGGCCCAT[A>G]AAGTTTAAATGTAAAAATTTTAATGCTATTTTATTTGTAAAGACAAAACCATAGCCACTC-3'